The following is an entry in ClinVar:

NM_001005361.3(DNM2):c.590G>A (p.Gly197Asp)

Gene: DNM2 (dynamin 2; plus strand). Cytogenetic location: 19p13.2.
Variant type: single nucleotide variant.
Coding change: c.590G>A on transcript NM_001005361.3 (MANE Select); coding-DNA position 590, G replaced by A.
Protein change: p.Gly197Asp; replaces glycine 197 with aspartic acid.
Molecular consequence: missense variant.
Genome position (GRCh38, 1-based): chr19:10,777,118, G>A. VCF-style: chr19-10777118-G-A. GRCh37 (hg19) VCF-style: chr19-10887794-G-A.
Other names: c.590G>A, p.Gly197Asp (NM_001005360.3, NM_001005362.3, NM_001190716.2 and 1 more transcripts); short protein forms G197D.
Identifiers: ClinVar variation 1721335 (VCV001721335.5), dbSNP rs2513157614, ClinGen allele CA404043195.

ClinVar aggregate classification (germline): Uncertain significance (1 of 4 stars; one submission).

Conditions:
Charcot-Marie-Tooth disease dominant intermediate B (CMTDIB). Also called: CHARCOT-MARIE-TOOTH NEUROPATHY, DOMINANT INTERMEDIATE B; Charcot-Marie-Tooth disease dominant intermediate 1; CMT DI1; Charcot-Marie-Tooth disease dominant intermediate I. Identifiers: Orphanet 100044, Orphanet 228179, MedGen C1847902, MONDO:0011674, OMIM 606482.

Submission:

Labcorp Genetics (formerly Invitae), Labcorp
Classification: Uncertain significance for Charcot-Marie-Tooth disease dominant intermediate B. Last evaluated: 2022-10-09. Review status: criteria provided, single submitter. Criteria: Invitae Variant Classification Sherloc (09022015). Collection method: clinical testing. Allele origin: germline.
Comment: In summary, the available evidence is currently insufficient to determine the role of this variant in disease. Therefore, it has been classified as a Variant of Uncertain Significance. This sequence change replaces glycine, which is neutral and non-polar, with aspartic acid, which is acidic and polar, at codon 197 of the DNM2 protein (p.Gly197Asp). This variant is not present in population databases (gnomAD no frequency). This variant has not been reported in the literature in individuals affected with DNM2-related conditions. Algorithms developed to predict the effect of missense changes on protein structure and function (SIFT, PolyPhen-2, Align-GVGD) all suggest that this variant is likely to be disruptive.